The following is an entry in ClinVar:

NM_001849.4(COL6A2):c.3025G>A (p.Gly1009Ser)

Gene: COL6A2 (collagen type VI alpha 2 chain; plus strand). Cytogenetic location: 21q22.3.
Variant type: single nucleotide variant.
Coding change: c.3025G>A on transcript NM_001849.4 (MANE Select); coding-DNA position 3025, G replaced by A.
Protein change: p.Gly1009Ser; replaces glycine 1009 with serine.
Molecular consequence: missense variant.
Genome position (GRCh38, 1-based): chr21:46,132,517, G>A. VCF-style: chr21-46132517-G-A. GRCh37 (hg19) VCF-style: chr21-47552431-G-A.
Other names: short protein forms G1009S.
Identifiers: ClinVar variation 287718 (VCV000287718.22), dbSNP rs35887009, ClinGen allele CA10073143.

ClinVar aggregate classification (germline): Conflicting classifications of pathogenicity. Review status: criteria provided, conflicting classifications (1 of 4 stars). 5 submissions from 5 submitters: Uncertain significance (2); Likely benign (3). Last evaluated 2025-12-19.

Conditions:
COL6A2-related disorder.
Inborn genetic diseases. Identifiers: MedGen C0950123, MeSH D030342.
Bethlem myopathy 1A. Also called: MYOPATHY, BENIGN CONGENITAL, WITH CONTRACTURES; Bethlem myopathy 1; Bethlem Muscular Dystrophy. Identifiers: Orphanet 610, MedGen CN029274, MONDO:0024530, OMIM 158810.

Allele frequency attached by ClinVar (database versions not stated): gnomAD exomes 0.00025; ExAC 0.00030; gnomAD 0.00072 and 0.00080; ESP Exome Variant Server 0.00077; 1000 Genomes Project 0.00080; TOPMed 0.00082; 1000 Genomes Project 30x 0.00109.
gnomAD v4.1: 253 of 1,606,470 alleles (0.016%); highest among the groups gnomAD compares: African/African-American, 0.2%; no homozygotes.

Submissions (5):

Labcorp Genetics (formerly Invitae), Labcorp
Classification: Likely benign for Bethlem myopathy 1A. Last evaluated: 2025-12-19. Review status: criteria provided, single submitter. Criteria: Invitae Variant Classification Sherloc (09022015). Collection method: clinical testing. Allele origin: germline.

GeneDx
Classification: Uncertain significance. Last evaluated: 2025-09-10. Review status: criteria provided, single submitter. Criteria: GeneDx Variant Classification Process June 2021. Collection method: clinical testing. Allele origin: germline. Affected: yes.
Comment: In silico analysis suggests that this missense variant does not alter protein structure/function; Has not been previously published as pathogenic or benign to our knowledge; This variant is associated with the following publications: (PMID: 30564623)

PreventionGenetics, part of Exact Sciences
Classification: Likely benign for COL6A2-related condition. Last evaluated: 2025-03-04. Review status: criteria provided, single submitter. Criteria: ACMG Guidelines, 2015. Collection method: clinical testing. Allele origin: germline.
Comment: This variant is classified as likely benign based on ACMG/AMP sequence variant interpretation guidelines (Richards et al. 2015 PMID: 25741868, with internal and published modifications).

Ambry Genetics
Classification: Likely benign for Inborn genetic diseases. Last evaluated: 2022-01-31. Review status: criteria provided, single submitter. Criteria: Ambry Variant Classification Scheme 2023. Collection method: clinical testing. Allele origin: germline.

Eurofins Ntd Llc (ga)
Classification: Uncertain significance. Last evaluated: 2018-04-24. Review status: criteria provided, single submitter. Criteria: EGL ClinVar v180209 classification definitions. Collection method: clinical testing. Allele origin: germline. Observed: 4 variant alleles, 4 heterozygotes.